The following is an entry in ClinVar:

ClinVar aggregate classification (germline): Uncertain significance. Review status: criteria provided, multiple submitters, no conflicts (2 of 4 stars). 2 submissions from 2 submitters: Uncertain significance (2). Last evaluated 2022-07-19.

Allele frequency attached by ClinVar (database versions not stated): ExAC 0.00001; gnomAD exomes 0.00001 and 0.00002.
gnomAD v4.1: 5 of 1,613,710 alleles (0.00031%); highest among the groups gnomAD compares: Admixed American, 0.0083%; no homozygotes.

Submissions (2):

Labcorp Genetics (formerly Invitae), Labcorp
Classification: Uncertain significance. Last evaluated: 2022-07-19. Review status: criteria provided, single submitter. Criteria: Invitae Variant Classification Sherloc (09022015). Collection method: clinical testing. Allele origin: germline.
Comment: This sequence change replaces phenylalanine, which is neutral and non-polar, with leucine, which is neutral and non-polar, at codon 504 of the SCP2 protein (p.Phe504Leu). This variant is present in population databases (rs765471614, gnomAD 0.01%). This variant has not been reported in the literature in individuals affected with SCP2-related conditions. ClinVar contains an entry for this variant (Variation ID: 595005). Algorithms developed to predict the effect of missense changes on protein structure and function output the following: SIFT: "Tolerated"; PolyPhen-2: "Benign"; Align-GVGD: "Class C0". The leucine amino acid residue is found in multiple mammalian species, which suggests that this missense change does not adversely affect protein function. In summary, the available evidence is currently insufficient to determine the role of this variant in disease. Therefore, it has been classified as a Variant of Uncertain Significance.

Eurofins Ntd Llc (ga)
Classification: Uncertain significance. Last evaluated: 2018-08-23. Review status: criteria provided, single submitter. Criteria: EGL ClinVar v180209 classification definitions. Collection method: clinical testing. Allele origin: germline. Observed: 2 variant alleles, 2 heterozygotes.

NM_002979.5(SCP2):c.1510T>C (p.Phe504Leu)

Gene: SCP2 (sterol carrier protein 2; plus strand). Cytogenetic location: 1p32.3.
Variant type: single nucleotide variant.
Coding change: c.1510T>C on transcript NM_002979.5 (MANE Select); coding-DNA position 1510, T replaced by C.
Protein change: p.Phe504Leu; replaces phenylalanine 504 with leucine.
Molecular consequence: missense variant. On other transcripts: synonymous variant (1).
Genome position (GRCh38, 1-based): chr1:53,047,899, T>C. VCF-style: chr1-53047899-T-C. GRCh37 (hg19) VCF-style: chr1-53513571-T-C.
Other names: c.298T>C, p.Phe100Leu (NM_001007099.3); c.289T>C, p.Phe97Leu (NM_001007100.3); c.168T>C, p.Thr56= (NM_001007250.3); c.1438T>C, p.Phe480Leu (NM_001193599.2); c.1378T>C, p.Phe460Leu (NM_001193600.2); c.1267T>C, p.Phe423Leu (NM_001193617.2); short protein forms F504L, F480L, F97L, F100L, F423L, F460L.
Identifiers: ClinVar variation 595005 (VCV000595005.7), dbSNP rs765471614, ClinGen allele CA857438.